The following is an entry in ClinVar:

NM_004655.4(AXIN2):c.2342T>C (p.Leu781Pro)

Gene: AXIN2 (axin 2; minus strand). Cytogenetic location: 17q24.1.
Variant type: single nucleotide variant.
Coding change: c.2342T>C on transcript NM_004655.4 (MANE Select); coding-DNA position 2342, T replaced by C.
Protein change: p.Leu781Pro; replaces leucine 781 with proline.
Molecular consequence: missense variant.
Genome position (GRCh38, 1-based): chr17:65,533,975, A>G on the plus strand (T>C on the coding strand, the complement: AXIN2 is on the minus strand). VCF-style: chr17-65533975-A-G. GRCh37 (hg19) VCF-style: chr17-63530093-A-G.
Other names: c.2147T>C, p.Leu716Pro (NM_001363813.1); short protein forms L781P, L716P.
Identifiers: ClinVar variation 2003801 (VCV002003801.5), dbSNP rs2509389039, ClinGen allele CA400675458.

ClinVar aggregate classification (germline): Uncertain significance. Review status: criteria provided, multiple submitters, no conflicts (2 of 4 stars). 2 submissions from 2 submitters: Uncertain significance (2). Last evaluated 2026-07-06.

Conditions:
Hereditary cancer-predisposing syndrome. Also called: Hereditary neoplastic syndrome; Neoplastic Syndromes, Hereditary; Tumor predisposition; Hereditary Cancer Syndrome. Identifiers: Orphanet 140162, MedGen C0027672, MeSH D009386, MONDO:0015356.
Oligodontia-cancer predisposition syndrome. Also called: TOOTH AGENESIS-COLORECTAL CANCER SYNDROME. Identifiers: Orphanet 300576, MedGen C1837750, MONDO:0012075, OMIM 608615. Disease mechanism: loss of function.

Submissions (2):

Ambry Genetics
Classification: Uncertain significance for Hereditary cancer-predisposing syndrome. Last evaluated: 2026-07-06. Review status: criteria provided, single submitter. Criteria: Ambry Variant Classification Scheme 2023. Collection method: clinical testing. Allele origin: germline.
Comment: The p.L781P variant (also known as c.2342T>C), located in coding exon 9 of the AXIN2 gene, results from a T to C substitution at nucleotide position 2342. The leucine at codon 781 is replaced by proline, an amino acid with similar properties. This amino acid position is conserved. In addition, the in silico prediction for this alteration is inconclusive. Based on the available evidence, the clinical significance of this variant remains unclear.

Labcorp Genetics (formerly Invitae), Labcorp
Classification: Uncertain significance for Oligodontia-cancer predisposition syndrome. Last evaluated: 2022-06-10. Review status: criteria provided, single submitter. Criteria: Invitae Variant Classification Sherloc (09022015). Collection method: clinical testing. Allele origin: germline.
Comment: This variant has not been reported in the literature in individuals affected with AXIN2-related conditions. This variant is not present in population databases (gnomAD no frequency). This sequence change replaces leucine, which is neutral and non-polar, with proline, which is neutral and non-polar, at codon 781 of the AXIN2 protein (p.Leu781Pro). Algorithms developed to predict the effect of missense changes on protein structure and function (SIFT, PolyPhen-2, Align-GVGD) all suggest that this variant is likely to be disruptive. In summary, the available evidence is currently insufficient to determine the role of this variant in disease. Therefore, it has been classified as a Variant of Uncertain Significance.